The following is an entry in ClinVar:

NM_206933.4(USH2A):c.15321C>T (p.Pro5107=)

Gene: USH2A (usherin; minus strand). Cytogenetic location: 1q41.
Variant type: single nucleotide variant.
Coding change: c.15321C>T on transcript NM_206933.4 (MANE Select); coding-DNA position 15321, C replaced by T.
Protein change: p.Pro5107=; no amino-acid change (proline 5107 retained).
Molecular consequence: synonymous variant.
Genome position (GRCh38, 1-based): chr1:215,629,012, G>A on the plus strand (C>T on the coding strand, the complement: USH2A is on the minus strand). VCF-style: chr1-215629012-G-A. GRCh37 (hg19) VCF-style: chr1-215802354-G-A.
Identifiers: ClinVar variation 48460 (VCV000048460.13), dbSNP rs397518000, ClinGen allele CA143393.

ClinVar aggregate classification (germline): Likely benign. Review status: criteria provided, multiple submitters, no conflicts (2 of 4 stars). 4 submissions from 3 submitters: Likely benign (4). Last evaluated 2023-11-04.

Conditions:
Usher syndrome type 2A. Also called: RETINAL DISEASE IN USHER SYNDROME TYPE IIA, MODIFIER OF; USHER SYNDROME, TYPE IIA. Identifiers: Orphanet 231178, Orphanet 886, MedGen C1848634, MONDO:0010169, OMIM 276901.
Retinitis pigmentosa 39 (RP39). Identifiers: Orphanet 791, MedGen C3151138, MONDO:0013436, OMIM 613809.

Submissions (4):

Genome-Nilou Lab
Classification: Likely benign for Retinitis pigmentosa 39. Last evaluated: 2023-11-04. Review status: criteria provided, single submitter. Criteria: ACMG Guidelines, 2015. Collection method: clinical testing. Allele origin: germline. Affected: no.

Genome-Nilou Lab
Classification: Likely benign for Usher syndrome type 2A. Last evaluated: 2023-11-04. Review status: criteria provided, single submitter. Criteria: ACMG Guidelines, 2015. Collection method: clinical testing. Allele origin: germline. Affected: no.

Labcorp Genetics (formerly Invitae), Labcorp
Classification: Likely benign. Last evaluated: 2021-04-08. Review status: criteria provided, single submitter. Criteria: Invitae Variant Classification Sherloc (09022015). Collection method: clinical testing. Allele origin: germline.

Laboratory for Molecular Medicine, Mass General Brigham Personalized Medicine
Classification: Likely benign. Last evaluated: 2012-08-14. Review status: criteria provided, single submitter. Criteria: LMM Criteria. Collection method: clinical testing. Allele origin: germline. Observed: 1 variant allele.
Comment: Pro5107Pro in exon 71 of USH2A: This variant is not expected to have clinical si gnificance because it does not alter an amino acid residue and is not located wi thin the splice consensus sequence.